The following is an entry in ClinVar:

NM_018089.3(ANKZF1):c.1342C>T (p.Arg448Ter)

Gene: ANKZF1 (ankyrin repeat and zinc finger peptidyl tRNA hydrolase 1; plus strand). Cytogenetic location: 2q35.
Variant type: single nucleotide variant.
Coding change: c.1342C>T on transcript NM_018089.3 (MANE Select); coding-DNA position 1342, C replaced by T.
Protein change: p.Arg448Ter; replaces arginine 448 with a stop codon.
Molecular consequence: nonsense.
Genome position (GRCh38, 1-based): chr2:219,234,963, C>T. VCF-style: chr2-219234963-C-T. GRCh37 (hg19) VCF-style: chr2-220099685-C-T.
Other names: c.1342C>T, p.Arg448Ter (NM_001042410.2); c.712C>T, p.Arg238Ter (NM_001282792.2); short protein forms R448*, R238*.
Identifiers: ClinVar variation 3715185 (VCV003715185.2).

ClinVar aggregate classification (germline): Uncertain significance (1 of 4 stars; one submission).

gnomAD v4.1: 60 of 1,614,206 alleles (0.0037%); highest among the groups gnomAD compares: Non-Finnish European, 0.0047%; no homozygotes.

Submission:

Labcorp Genetics (formerly Invitae), Labcorp
Classification: Uncertain significance. Last evaluated: 2025-09-27. Review status: criteria provided, single submitter. Criteria: Invitae Variant Classification Sherloc (09022015). Collection method: clinical testing. Allele origin: germline.
Comment: This sequence change creates a premature translational stop signal (p.Arg448*) in the ANKZF1 gene. It is expected to result in an absent or disrupted protein product. However, the current clinical and genetic evidence is not sufficient to establish whether loss-of-function variants in ANKZF1 cause disease. This variant is present in population databases (no rsID available, gnomAD 0.002%). This variant has not been reported in the literature in individuals affected with ANKZF1-related conditions. ClinVar contains an entry for this variant (Variation ID: 3715185). Algorithms developed to predict the effect of sequence changes on RNA splicing suggest that this variant may disrupt the consensus splice site. In summary, the available evidence is currently insufficient to determine the role of this variant in disease. Therefore, it has been classified as a Variant of Uncertain Significance.